The following is an entry in ClinVar:

ClinVar aggregate classification (germline): Uncertain significance (1 of 4 stars; one submission).

Conditions:
Intellectual developmental disorder with dysmorphic facies and ptosis (IDDDFP). Identifiers: Orphanet 698090, MedGen C4310617, MONDO:0015022, OMIM 617333.

Submission:

OLLIN Analises Genomicas, OLLIN
Classification: Uncertain significance for Intellectual developmental disorder with dysmorphic facies and ptosis. Last evaluated: 2026-08-06. Review status: criteria provided, single submitter. Criteria: ACMG Guidelines 2015 PMID 25741868. Collection method: clinical testing. Allele origin: germline. Inheritance: Autosomal dominant inheritance.
Comment: This missense variant, located in exon 9 (of 14), is absent from gnomAD and ClinVar and has not been identified in the literature. In silico analysis is inconclusive regarding the impact of this variant. This gene is constrained for missense variation. According to the currently available evidence, this variant has been classified as uncertain significance (PM2_P, PP2).

NM_001003694.2(BRPF1):c.2684G>T (p.Arg895Ile)

Gene: BRPF1 (bromodomain and PHD finger containing 1; plus strand). Cytogenetic location: 3p25.3.
Variant type: single nucleotide variant.
Coding change: c.2684G>T on transcript NM_001003694.2 (MANE Select); coding-DNA position 2684, G replaced by T.
Protein change: p.Arg895Ile; replaces arginine 895 with isoleucine.
Molecular consequence: missense variant. On other transcripts: non-coding transcript variant (1), intron variant (4).
Genome position (GRCh38, 1-based): chr3:9,744,272, G>T. VCF-style: chr3-9744272-G-T. GRCh37 (hg19) VCF-style: chr3-9785956-G-T.
Other names: c.2663G>T, p.Arg888Ile (NM_001319050.2, NM_001438342.1, NM_001438343.1); c.2681G>T, p.Arg894Ile (NM_001410704.1); c.2666G>T, p.Arg889Ile (NM_001437892.1, NM_004634.3); c.2635+371G>T (NM_001438344.1); c.2632+371G>T (NM_001438345.1); c.2617+371G>T (NM_001319049.2); c.2614+371G>T (NM_001438346.1); short protein forms R889I, R895I, R888I, R894I.
Identifiers: ClinVar variation 5002679 (VCV005002679.1).